The following is an entry in ClinVar:

NM_020822.3(KCNT1):c.732G>A (p.Leu244=)

Gene: KCNT1 (potassium sodium-activated channel subfamily T member 1; plus strand). Cytogenetic location: 9q34.3.
Variant type: single nucleotide variant.
Coding change: c.732G>A on transcript NM_020822.3 (MANE Select); coding-DNA position 732, G replaced by A.
Protein change: p.Leu244=; no amino-acid change (leucine 244 retained).
Molecular consequence: synonymous variant.
Genome position (GRCh38, 1-based): chr9:135,757,354, G>A. VCF-style: chr9-135757354-G-A. GRCh37 (hg19) VCF-style: chr9-138649200-G-A.
Other names: c.588G>A, p.Leu196= (NM_001272003.2).
Identifiers: ClinVar variation 384603 (VCV000384603.37), dbSNP rs759580596, ClinGen allele CA5326607.

ClinVar aggregate classification (germline): Likely benign. Review status: criteria provided, multiple submitters, no conflicts (2 of 4 stars). 4 submissions from 4 submitters: Likely benign (4). Last evaluated 2025-02-19.

Conditions:
Inborn genetic diseases. Identifiers: MedGen C0950123, MeSH D030342.
Developmental and epileptic encephalopathy, 14 (DEE14). Also called: Early infantile epileptic encephalopathy 14. Identifiers: Orphanet 293181, MedGen C3554195, MONDO:0013989, OMIM 614959.
Autosomal dominant nocturnal frontal lobe epilepsy 5. Also called: CILIARY DYSKINESIA, PRIMARY, 28, WITHOUT SITUS INVERSUS; CILIARY DYSKINESIA, PRIMARY, 28, WITH SITUS INVERSUS; KCNT1-Related Epilepsy; Epilepsy, nocturnal frontal lobe, 5. Identifiers: Orphanet 98784, MedGen C3554306, MONDO:0014002, OMIM 615005.

Allele frequency attached by ClinVar (database versions not stated): ExAC 0.00001; gnomAD exomes 0.00004 and 0.00001; TOPMed 0.00002; gnomAD 0.00003.
gnomAD v4.1: 61 of 1,610,328 alleles (0.0038%); highest among the groups gnomAD compares: Non-Finnish European, 0.005%; no homozygotes.

Submissions (4):

Labcorp Genetics (formerly Invitae), Labcorp
Classification: Likely benign for Autosomal dominant nocturnal frontal lobe epilepsy 5; Developmental and epileptic encephalopathy, 14. Last evaluated: 2025-02-19. Review status: criteria provided, single submitter. Criteria: Invitae Variant Classification Sherloc (09022015). Collection method: clinical testing. Allele origin: germline.

CeGaT Center for Human Genetics Tuebingen
Classification: Likely benign. Last evaluated: 2022-07-01. Review status: criteria provided, single submitter. Criteria: CeGaT Center For Human Genetics Tuebingen Variant Classification Criteria Version 2. Collection method: clinical testing. Allele origin: germline. Affected: yes. Observed: 1 variant allele.
Comment: KCNT1: BP4

GeneDx
Classification: Likely benign. Last evaluated: 2019-11-07. Review status: criteria provided, single submitter. Criteria: GeneDx Variant Classification Process June 2021. Collection method: clinical testing. Allele origin: germline. Affected: yes.

Ambry Genetics
Classification: Likely benign for Inborn genetic diseases. Last evaluated: 2019-06-01. Review status: criteria provided, single submitter. Criteria: Ambry Variant Classification Scheme 2023. Collection method: clinical testing. Allele origin: germline.